The following is an entry in ClinVar:

NM_001199397.3(NEK1):c.1535C>T (p.Ala512Val)

Gene: NEK1 (NIMA related kinase 1; minus strand). Cytogenetic location: 4q33.
Variant type: single nucleotide variant.
Coding change: c.1535C>T on transcript NM_001199397.3 (MANE Select); coding-DNA position 1535, C replaced by T.
Protein change: p.Ala512Val; replaces alanine 512 with valine.
Molecular consequence: missense variant. On other transcripts: non-coding transcript variant (1), intron variant (3).
Genome position (GRCh38, 1-based): chr4:169,555,747, G>A on the plus strand (C>T on the coding strand, the complement: NEK1 is on the minus strand). VCF-style: chr4-169555747-G-A. GRCh37 (hg19) VCF-style: chr4-170476898-G-A.
Other names: c.1535C>T, p.Ala512Val (NM_001374418.1, NM_001374419.1, NM_012224.4); c.1484C>T, p.Ala495Val (NM_001374420.1); c.1409C>T, p.Ala470Val (NM_001374421.1); c.1355+185C>T (NM_001199399.3); c.1430+185C>T (NM_001199398.3, NM_001199400.3); short protein forms A512V, A470V, A495V.
Identifiers: ClinVar variation 457134 (VCV000457134.11), dbSNP rs771824152, ClinGen allele CA3137715.
Genomic context (GRCh38, chr4:169,555,747, plus strand): 5'-CATGGATGAATTCATGGATCATCACAGTCCAACCTGTTTGCATTGGCTTGTTTAGACACC[G>A]CCTTCAATCTTTTCAAAGTTTTTCTAATATCATCAGCATCAGGAAAATGGTGATGACCTG-3'
Protein context (NP_001186326.1, residues 502-522): DIRKTLKRLK[Ala512Val]VSKQANANRQ

ClinVar aggregate classification (germline): Uncertain significance. Review status: criteria provided, multiple submitters, no conflicts (2 of 4 stars). 2 submissions from 2 submitters: Uncertain significance (2). Last evaluated 2025-12-31.

Conditions:
NEK1-related disorder. Also called: NEK1-related condition.
Short-rib thoracic dysplasia 6 with or without polydactyly (SRTD6). Also called: POLYDACTYLY WITH NEONATAL CHONDRODYSTROPHY, TYPE II; Majewski Syndrome; SHORT-RIB THORACIC DYSPLASIA 6 WITH POLYDACTYLY; SHORT-RIB THORACIC DYSPLASIA 6 WITHOUT POLYDACTYLY; SHORT RIB-POLYDACTYLY SYNDROME, TYPE IIA. Identifiers: MedGen C0024507, MONDO:0009894, OMIM 263520.

Allele frequency attached by ClinVar (database versions not stated): gnomAD 0.00001 and 0.00002; TOPMed 0.00002; ExAC 0.00004; gnomAD exomes 0.00004.
gnomAD v4.1: 87 of 1,613,598 alleles (0.0054%); highest among the groups gnomAD compares: Middle Eastern, 0.016%; no homozygotes.

Submissions (2):

PreventionGenetics, part of Exact Sciences
Classification: Uncertain significance for NEK1-related condition. Last evaluated: 2025-12-31. Review status: criteria provided, single submitter. Criteria: ACMG Guidelines, 2015. Collection method: clinical testing. Allele origin: germline.
Comment: The NEK1 c.1535C>T variant is predicted to result in the amino acid substitution p.Ala512Val. This variant has been reported in an individual with sporadic amyotrophic lateral sclerosis and was interpreted as a variant of uncertain significance (ALS, Bartoletti-Stella et al. 2021. PubMed ID: 33770234). This variant is reported in 0.0071% of alleles in individuals of European (non-Finnish) descent in gnomAD. At this time, the clinical significance of this variant is uncertain due to the absence of conclusive functional and genetic evidence.

Labcorp Genetics (formerly Invitae), Labcorp
Classification: Uncertain significance for Short-rib thoracic dysplasia 6 with or without polydactyly. Last evaluated: 2024-11-27. Review status: criteria provided, single submitter. Criteria: Invitae Variant Classification Sherloc (09022015). Collection method: clinical testing. Allele origin: germline.
Comment: This sequence change replaces alanine, which is neutral and non-polar, with valine, which is neutral and non-polar, at codon 512 of the NEK1 protein (p.Ala512Val). This variant is present in population databases (rs771824152, gnomAD 0.007%). This missense change has been observed in individual(s) with amyotrophic lateral sclerosis (PMID: 33770234). ClinVar contains an entry for this variant (Variation ID: 457134). Invitae Evidence Modeling of protein sequence and biophysical properties (such as structural, functional, and spatial information, amino acid conservation, physicochemical variation, residue mobility, and thermodynamic stability) indicates that this missense variant is not expected to disrupt NEK1 protein function with a negative predictive value of 80%. In summary, the available evidence is currently insufficient to determine the role of this variant in disease. Therefore, it has been classified as a Variant of Uncertain Significance.

Literature cited by the submitters: PubMed 33770234 (cited by Labcorp Genetics (formerly Invitae), Labcorp).